The following is an entry in ClinVar:

NM_022552.5(DNMT3A):c.767C>T (p.Pro256Leu)

Gene: DNMT3A (DNA methyltransferase 3 alpha; minus strand). Cytogenetic location: 2p23.3.
Variant type: single nucleotide variant.
Coding change: c.767C>T on transcript NM_022552.5 (MANE Select); coding-DNA position 767, C replaced by T.
Protein change: p.Pro256Leu; replaces proline 256 with leucine.
Molecular consequence: missense variant. On other transcripts: non-coding transcript variant (1).
Genome position (GRCh38, 1-based): chr2:25,248,125, G>A on the plus strand (C>T on the coding strand, the complement: DNMT3A is on the minus strand). VCF-style: chr2-25248125-G-A. GRCh37 (hg19) VCF-style: chr2-25470994-G-A.
Other names: c.311C>T, p.Pro104Leu (NM_001320893.1); c.98C>T, p.Pro33Leu (NM_001375819.1); c.200C>T, p.Pro67Leu (NM_153759.3); c.767C>T, p.Pro256Leu (NM_175629.2); short protein forms P104L, P256L, P33L, P67L.
Identifiers: ClinVar variation 2500494 (VCV002500494.2), dbSNP rs2465573287, ClinGen allele CA346076247.

ClinVar aggregate classification (germline): Uncertain significance (1 of 4 stars; one submission).

Submission:

GeneDx
Classification: Uncertain significance. Last evaluated: 2026-07-01. Review status: criteria provided, single submitter. Criteria: GeneDx Variant Classification Process June 2021. Collection method: clinical testing. Allele origin: germline.
Comment: Not observed at significant frequency in large population cohorts (gnomAD); In silico analysis supports that this missense variant has a deleterious effect on protein structure/function; Has not been previously published as pathogenic or benign to our knowledge